The following is an entry in ClinVar:

ClinVar aggregate classification (germline): Pathogenic (1 of 4 stars; one submission).

Conditions:
Duane-radial ray syndrome (DRRS). Also called: Okihiro Syndrome; ACRORENOOCULAR SYNDROME; Duane-Radial Ray Syndrome/Okihiro Syndrome; Duane-Radial Ray Syndrome (DRRS) / Okihiro Syndrome; DR SYNDROME; DUANE ANOMALY WITH RADIAL RAY ABNORMALITIES AND DEAFNESS. Identifiers: Orphanet 93293, Orphanet 959, MedGen C1623209, MONDO:0011812, OMIM 607323. Disease mechanism: gain of function.

Submission:

Labcorp Genetics (formerly Invitae), Labcorp
Classification: Pathogenic for Duane-radial ray syndrome. Last evaluated: 2018-08-23. Review status: criteria provided, single submitter. Criteria: Invitae Variant Classification Sherloc (09022015). Collection method: clinical testing. Allele origin: germline.
Comment: For these reasons, this variant has been classified as Pathogenic. Loss-of-function variants in SALL4 are known to be pathogenic (PMID: 15342710, 16086360). A similar deletion of exon 1 has been observed to be de novo in an individual affected with Duane-radial ray syndrome (PMID: 15342710). This variant is a gross deletion of the genomic region encompassing exon 1 of the SALL4 gene, which includes the initiator codon. The 5' end of this event is unknown as it extends beyond the assayed region for this gene and therefore may encompass additional genes. The 3' boundary is likely confined to intron 1 of the SALL4 gene. This is expected to result in an absent or disrupted protein product.

Literature cited by the submitters: PubMed 15342710; PubMed 16086360.

NC_000020.11:g.(?_51802259)_(51802428_?)del

Gene: SALL4 (spalt like transcription factor 4; minus strand). Cytogenetic location: 20q13.2.
Variant type: Deletion.
Identifiers: ClinVar variation 642045 (VCV000642045.7).